The following is an entry in ClinVar:

NM_002878.4(RAD51D):c.309del (p.Glu104fs)

Genes: RAD51D (RAD51 paralog D; minus strand), RAD51L3-RFFL (RAD51L3-RFFL readthrough; minus strand). Cytogenetic location: 17q12.
Variant type: Deletion.
Coding change: c.309del on transcript NM_002878.4 (MANE Select); coding-DNA position 309, one base deleted (T; older notation c.309delT).
Protein change: p.Glu104fs; shifts the reading frame from glutamic acid 104.
Molecular consequence: frameshift variant. On other transcripts: non-coding transcript variant (2), intron variant (1).
Genome position (GRCh38, 1-based): chr17:35,107,402, A deleted on the plus strand (T on the coding strand, the reverse complement: RAD51D is on the minus strand). VCF-style (leftmost placement, unchanged base first): chr17-35107401-CA-C. GRCh37 (hg19) VCF-style: chr17-33434420-CA-C.
Other names: c.369del, p.Glu124fs (NM_001142571.2); c.145-921del (NM_133629.3); short protein forms E104fs, E124fs.
Identifiers: ClinVar variation 2625298 (VCV002625298.2), dbSNP rs2509142832, ClinGen allele CA2582342182.

ClinVar aggregate classification (germline): Pathogenic (1 of 4 stars; one submission).

Conditions:
Hereditary cancer-predisposing syndrome. Also called: Tumor predisposition; Hereditary Cancer Syndrome; Hereditary neoplastic syndrome; Neoplastic Syndromes, Hereditary. Identifiers: Orphanet 140162, MedGen C0027672, MeSH D009386, MONDO:0015356.

Submission:

Ambry Genetics
Classification: Pathogenic for Hereditary cancer-predisposing syndrome. Last evaluated: 2023-08-18. Review status: criteria provided, single submitter. Criteria: Ambry Variant Classification Scheme 2023. Collection method: clinical testing. Allele origin: germline.
Comment: The c.309delT pathogenic mutation, located in coding exon 4 of the RAD51D gene, results from a deletion of one nucleotide at nucleotide position 309, causing a translational frameshift with a predicted alternate stop codon (p.E104Kfs*3). This variant is considered to be rare based on population cohorts in the Genome Aggregation Database (gnomAD). This alteration is expected to result in loss of function by premature protein truncation or nonsense-mediated mRNA decay. As such, this alteration is interpreted as a disease-causing mutation.